The following is an entry in ClinVar:

ClinVar aggregate classification (germline): Likely benign. Review status: criteria provided, multiple submitters, no conflicts (2 of 4 stars). 2 submissions from 2 submitters: Likely benign (2). Last evaluated 2026-07-01.

Conditions:
CHD5-related disorder. Also called: CHD5-related condition.

gnomAD v4.1: 519 of 1,613,266 alleles (0.032%); highest among the groups gnomAD compares: African/African-American, 0.46%; 2 homozygotes.

Submissions (2):

CeGaT Center for Human Genetics Tuebingen
Classification: Likely benign. Last evaluated: 2026-07-01. Review status: criteria provided, single submitter. Criteria: CeGaT Center For Human Genetics Tuebingen Variant Classification Criteria Version 2. Collection method: clinical testing. Allele origin: germline. Affected: yes. Observed: 1 variant allele.
Comment: CHD5: BP4, BP7, BS1

PreventionGenetics, part of Exact Sciences
Classification: Likely benign for CHD5-related condition. Last evaluated: 2025-04-11. Review status: criteria provided, single submitter. Criteria: ACMG Guidelines, 2015. Collection method: clinical testing. Allele origin: germline.
Comment: This variant is classified as likely benign based on ACMG/AMP sequence variant interpretation guidelines (Richards et al. 2015 PMID: 25741868, with internal and published modifications).

NM_015557.3(CHD5):c.3525C>T (p.Pro1175=)

Gene: CHD5 (chromodomain helicase DNA binding protein 5; minus strand). Cytogenetic location: 1p36.31.
Variant type: single nucleotide variant.
Coding change: c.3525C>T on transcript NM_015557.3 (MANE Select); coding-DNA position 3525, C replaced by T.
Protein change: p.Pro1175=; no amino-acid change (proline 1175 retained).
Molecular consequence: synonymous variant.
Genome position (GRCh38, 1-based): chr1:6,128,932, G>A on the plus strand (C>T on the coding strand, the complement: CHD5 is on the minus strand). VCF-style: chr1-6128932-G-A. GRCh37 (hg19) VCF-style: chr1-6188992-G-A.
Other names: c.3525C>T (NM_015557.2).
Identifiers: ClinVar variation 4872941 (VCV004872941.3).